The following is an entry in ClinVar:

NM_000271.5(NPC1):c.126C>T (p.Cys42=)

Gene: NPC1 (NPC intracellular cholesterol transporter 1; minus strand). Cytogenetic location: 18q11.2.
Variant type: single nucleotide variant.
Coding change: c.126C>T on transcript NM_000271.5 (MANE Select); coding-DNA position 126, C replaced by T.
Protein change: p.Cys42=; no amino-acid change (cysteine 42 retained).
Molecular consequence: synonymous variant.
Genome position (GRCh38, 1-based): chr18:23,573,506, G>A on the plus strand (C>T on the coding strand, the complement: NPC1 is on the minus strand). VCF-style: chr18-23573506-G-A. GRCh37 (hg19) VCF-style: chr18-21153470-G-A.
Identifiers: ClinVar variation 1094824 (VCV001094824.10), dbSNP rs149612530, ClinGen allele CA8913820.

ClinVar aggregate classification (germline): Likely benign. Review status: criteria provided, multiple submitters, no conflicts (2 of 4 stars). 2 submissions from 2 submitters: Likely benign (2). Last evaluated 2026-09-01.

Conditions:
Niemann-Pick disease, type C1. Also called: NEUROVISCERAL STORAGE DISEASE WITH VERTICAL SUPRANUCLEAR OPHTHALMOPLEGIA; NIEMANN-PICK DISEASE WITH CHOLESTEROL ESTERIFICATION BLOCK; NIEMANN-PICK DISEASE WITHOUT SPHINGOMYELINASE DEFICIENCY; NIEMANN-PICK DISEASE, CHRONIC NEURONOPATHIC FORM; NIEMANN-PICK DISEASE, VARIANT TYPE C1. Identifiers: Orphanet 646, MedGen C3179455, MONDO:0009757, OMIM 257220.

Allele frequency attached by ClinVar (database versions not stated): gnomAD 0.00001; gnomAD exomes 0.00001 and 0.00002; ESP Exome Variant Server 0.00015; ExAC 0.00002; TOPMed 0.00003.
gnomAD v4.1: 16 of 1,613,924 alleles (0.00099%); highest among the groups gnomAD compares: Non-Finnish European, 0.0012%; no homozygotes.

Submissions (2):

CeGaT Center for Human Genetics Tuebingen
Classification: Likely benign. Last evaluated: 2026-09-01. Review status: criteria provided, single submitter. Criteria: CeGaT Center For Human Genetics Tuebingen Variant Classification Criteria Version 2. Collection method: clinical testing. Allele origin: germline. Affected: yes. Observed: 1 variant allele.
Comment: NPC1: BP4, BP7

Labcorp Genetics (formerly Invitae), Labcorp
Classification: Likely benign for Niemann-Pick disease, type C1. Last evaluated: 2025-07-06. Review status: criteria provided, single submitter. Criteria: Invitae Variant Classification Sherloc (09022015). Collection method: clinical testing. Allele origin: germline.